The following is an entry in ClinVar:

NM_000264.5(PTCH1):c.4303G>T (p.Val1435Leu)

Gene: PTCH1 (patched 1; minus strand). Cytogenetic location: 9q22.32.
Variant type: single nucleotide variant.
Coding change: c.4303G>T on transcript NM_000264.5 (MANE Select); coding-DNA position 4303, G replaced by T.
Protein change: p.Val1435Leu; replaces valine 1435 with leucine.
Molecular consequence: missense variant. On other transcripts: non-coding transcript variant (1).
Genome position (GRCh38, 1-based): chr9:95,446,953, C>A on the plus strand (G>T on the coding strand, the complement: PTCH1 is on the minus strand). VCF-style: chr9-95446953-C-A. GRCh37 (hg19) VCF-style: chr9-98209235-C-A.
Other names: c.4105G>T, p.Val1369Leu (NM_001083602.3); c.4300G>T, p.Val1434Leu (NM_001083603.3); c.3850G>T, p.Val1284Leu (NM_001083604.3, NM_001083605.3, NM_001083606.3 and 1 more transcripts); c.4147G>T, p.Val1383Leu (NM_001354918.2); short protein forms V1284L, V1369L, V1383L, V1434L, V1435L.
Identifiers: ClinVar variation 4074635 (VCV004074635.1).

ClinVar aggregate classification (germline): Uncertain significance (1 of 4 stars; one submission).

Submission:

GeneDx
Classification: Uncertain significance. Last evaluated: 2025-02-05. Review status: criteria provided, single submitter. Criteria: GeneDx Variant Classification Process June 2021. Collection method: clinical testing. Allele origin: germline. Affected: yes.
Comment: Not observed at significant frequency in large population cohorts (gnomAD); In silico analysis indicates that this missense variant does not alter protein structure/function; Has not been previously published as pathogenic or benign to our knowledge